The following is an entry in ClinVar:

ClinVar aggregate classification (germline): not provided. Review status: no classification provided (0 of 4 stars). 2 submissions from 1 submitter: not provided (2).

Conditions:
Small for gestational age. Also called: Low birth weight. Identifiers: MedGen C0235991, HP:0001518.
Large for gestational age. Identifiers: MedGen C1848395, HP:0001520.

Submissions (2):

Institute of Molecular and Cell Biology, University of Tartu
No classification provided. Condition: Small for gestational age. Review status: no classification provided. Collection method: case-control. Allele origin: unknown. Affected: yes. Study: Kasak2014.
Comment: The study aimed to determine the contribution of copy number variants in the genetic etiology of normal and complicated pregnancies. The samples represented (i) maternal blood DNA drawn from healthy pregnant women during 1st or 2nd trimester and (ii) maternal and paternal blood DNA drawn at term pregnancy cases representing normal and complicated gestations (severe preeclampsia, PE; gestational diabetes, GD; small-for-gestational age newborn, SGA; large-for-gestational age newborn, LGA). We performed CNV calling based on genome-wide genotyping dataset (Illumina HumanOmniExpress-24-v1 BeadChip) by applying three algorithms, QuantiSNP, GADA (Genome Alteration Detection Algorithm) and CNstream in parallel. The acquired CNV calls were merged with HD-CNV (Hotspot Detector for Copy Number Variants) program and only the CNVs predicted by at least two programs, were considered in subsequent analysis.

Institute of Molecular and Cell Biology, University of Tartu
No classification provided. Condition: Large for gestational age. Review status: no classification provided. Collection method: case-control. Allele origin: unknown. Affected: yes. Study: Kasak2014.
Comment: the same text as in the submission from Institute of Molecular and Cell Biology, University of Tartu above.

Literature cited by the submitters: PubMed 25666259.

NC_000003.12:g.62972896_63007409del

Variant type: Deletion.
Identifiers: ClinVar variation 156852 (VCV000156852.3).